The following is an entry in ClinVar:

ClinVar aggregate classification (germline): Uncertain significance. Review status: criteria provided, multiple submitters, no conflicts (2 of 4 stars). 7 submissions from 7 submitters: Uncertain significance (7). Last evaluated 2025-08-22.

Conditions:
Familial pancreatic carcinoma. Identifiers: Orphanet 1333, MedGen C2931038, MONDO:0015278, OMIM 260350.
Hereditary breast ovarian cancer syndrome. Also called: Hereditary breast and ovarian cancer; Breast and ovarian cancer; BRCA1- and BRCA2-Associated Hereditary Breast and Ovarian Cancer; Hereditary breast and ovarian cancer syndrome; Hereditary breast and ovarian cancer syndrome (HBOC); Hereditary breast and/or ovarian cancer syndrome. Identifiers: Orphanet 145, MedGen C0677776, MeSH D061325, MONDO:0003582. Disease mechanism: loss of function.
Hereditary cancer-predisposing syndrome. Also called: Tumor predisposition; Hereditary Cancer Syndrome; Hereditary neoplastic syndrome; Neoplastic Syndromes, Hereditary. Identifiers: Orphanet 140162, MedGen C0027672, MeSH D009386, MONDO:0015356.
Breast-ovarian cancer, familial, susceptibility to, 2 (BROVCA2). Also called: BRCA2 Hereditary Breast and Ovarian Cancer. Identifiers: Orphanet 145, MedGen C2675520, MONDO:0012933, OMIM 612555. Disease mechanism: loss of function.

Submissions (7):

Ambry Genetics
Classification: Uncertain significance for Hereditary cancer-predisposing syndrome. Last evaluated: 2025-08-22. Review status: criteria provided, single submitter. Criteria: Ambry Variant Classification Scheme 2023. Collection method: clinical testing. Allele origin: germline.
Comment: The p.D224N variant (also known as c.670G>A), located in coding exon 7 of the BRCA2 gene, results from a G to A substitution at nucleotide position 670. The aspartic acid at codon 224 is replaced by asparagine, an amino acid with highly similar properties. This amino acid position is well conserved in available vertebrate species. In addition, this alteration is predicted to be tolerated by in silico analysis. Since supporting evidence is limited at this time, the clinical significance of this alteration remains unclear.

Labcorp Genetics (formerly Invitae), Labcorp
Classification: Uncertain significance for Hereditary breast ovarian cancer syndrome. Last evaluated: 2025-02-26. Review status: criteria provided, single submitter. Criteria: Invitae Variant Classification Sherloc (09022015). Collection method: clinical testing. Allele origin: germline.
Comment: This sequence change replaces aspartic acid, which is acidic and polar, with asparagine, which is neutral and polar, at codon 224 of the BRCA2 protein (p.Asp224Asn). This variant is not present in population databases (gnomAD no frequency). This missense change has been observed in individual(s) with breast cancer (PMID: 25777348). ClinVar contains an entry for this variant (Variation ID: 233552). Invitae Evidence Modeling of protein sequence and biophysical properties (such as structural, functional, and spatial information, amino acid conservation, physicochemical variation, residue mobility, and thermodynamic stability) indicates that this missense variant is not expected to disrupt BRCA2 protein function with a negative predictive value of 95%. In summary, the available evidence is currently insufficient to determine the role of this variant in disease. Therefore, it has been classified as a Variant of Uncertain Significance.

GeneDx
Classification: Uncertain significance. Last evaluated: 2023-12-10. Review status: criteria provided, single submitter. Criteria: GeneDx Variant Classification Process June 2021. Collection method: clinical testing. Allele origin: germline. Affected: yes.
Comment: In silico analysis supports that this missense variant does not alter protein structure/function; Not observed at significant frequency in large population cohorts (gnomAD); Also known as 898G>A; This variant is associated with the following publications: (PMID: 15876480, 25777348, 32377563, 29884841, Duzkale_2021, 31853058)

KCCC/NGS Laboratory, Kuwait Cancer Control Center
Classification: Uncertain significance for Breast-ovarian cancer, familial, susceptibility to, 2. Last evaluated: 2023-07-27. Review status: criteria provided, single submitter. Criteria: ACMG Guidelines, 2015. Collection method: clinical testing. Allele origin: unknown. Inheritance: Autosomal dominant inheritance. Affected: yes. Observed: 1 heterozygote.
Comment: a variant of uncertain significance was detected in the BRCA2 gene (c.670G>A). This sequence change replaces aspartic acid, which is acidic and polar, with asparagine, which is neutral and polar, at codon 224 of the BRCA2 protein (p.Asp224Asn). This variant is not present in population databases (gnomAD no frequency) nor in our local database. This amino acid position is not conserved (PhyloP= 1.4). This missense change has been observed in individual(s) with breast cancer (PMID: 25777348) . ClinVar contains an entry for this variant (Variation ID: 233552) classified as uncertain significance. this alteration is predicted to be tolerated by in silico analysis. . In summary, the available evidence is currently insufficient to determine the role of this variant in disease. Therefore, it has been classified as a Variant of Uncertain Significance.

Mendelics
Classification: Uncertain significance for Breast-ovarian cancer, familial, susceptibility to, 2. Last evaluated: 2023-06-19. Review status: criteria provided, single submitter. Criteria: Mendelics Assertion Criteria 2017. Collection method: clinical testing. Allele origin: unknown.

Department of Pathology and Laboratory Medicine, Sinai Health System
Classification: Uncertain significance for Familial pancreatic carcinoma. Last evaluated: 2020-02-06. Review status: criteria provided, single submitter. Criteria: ACMG Guidelines, 2015. Collection method: clinical testing. Allele origin: germline. Affected: yes.

Color Diagnostics, LLC DBA Color Health
Classification: Uncertain significance for Hereditary cancer-predisposing syndrome. Last evaluated: 2019-05-31. Review status: criteria provided, single submitter. Criteria: ACMG Guidelines, 2015. Collection method: clinical testing. Allele origin: germline.

Literature cited by the submitters: PubMed 15876480 (cited by Ambry Genetics); PubMed 25777348 (cited by 3 submitters).

NM_000059.4(BRCA2):c.670G>A (p.Asp224Asn)

Gene: BRCA2 (BRCA2 DNA repair associated; plus strand). Cytogenetic location: 13q13.1.
Variant type: single nucleotide variant.
Coding change: c.670G>A on transcript NM_000059.4 (MANE Select); coding-DNA position 670, G replaced by A.
Protein change: p.Asp224Asn; replaces aspartic acid 224 with asparagine.
Molecular consequence: missense variant.
Genome position (GRCh38, 1-based): chr13:32,329,481, G>A. VCF-style: chr13-32329481-G-A. GRCh37 (hg19) VCF-style: chr13-32903618-G-A.
Other names: short protein forms D224N.
Identifiers: ClinVar variation 233552 (VCV000233552.24), dbSNP rs876660484, ClinGen allele CA10579467.